The following is an entry in ClinVar:

NM_000138.5(FBN1):c.7596del (p.Asn2533fs)

Gene: FBN1 (fibrillin 1; minus strand). Cytogenetic location: 15q21.1.
Variant type: Deletion.
Coding change: c.7596del on transcript NM_000138.5 (MANE Select); coding-DNA position 7596, one base deleted (C; older notation c.7596delC).
Protein change: p.Asn2533fs; shifts the reading frame from asparagine 2533.
Molecular consequence: frameshift variant.
Genome position (GRCh38, 1-based): chr15:48,421,661, G deleted on the plus strand (C on the coding strand, the reverse complement: FBN1 is on the minus strand). VCF-style (leftmost placement, unchanged base first): chr15-48421660-TG-T. GRCh37 (hg19) VCF-style: chr15-48713857-TG-T.
Other names: c.7596del, p.Asn2533fs (NM_001406716.1); short protein forms N2533fs.
Identifiers: ClinVar variation 3731342 (VCV003731342.1).

ClinVar aggregate classification (germline): Likely pathogenic (1 of 4 stars; one submission).

Conditions:
Marfan syndrome (MFS). Also called: MARFAN SYNDROME, TYPE I; Marfan syndrome type 1; Marfan's syndrome; Marfan syndrome, classic; FBN1-Related Marfan Syndrome. Identifiers: Orphanet 284963, Orphanet 558, MedGen C0024796, MONDO:0007947, OMIM 154700.

Submission:

Neuberg Centre For Genomic Medicine, NCGM
Classification: Likely pathogenic for Marfan syndrome. Last evaluated: 2023-06-22. Review status: criteria provided, single submitter. Criteria: ACMG Guidelines, 2015. Collection method: clinical testing. Allele origin: germline. Inheritance: Autosomal dominant inheritance. Affected: yes.
Comment: The observed frameshift variant c.7596del(p.Asn2533IlefsTer149) in FBN1 gene has not been reported previously as a pathogenic variant nor as a benign variant, to our knowledge. This variant is absent in gnomAD Exomes. This variant causes a frameshift starting with codon Asparagine 2533, changes this amino acid to Isoleucine residue, and creates a premature Stop codon at position 149 of the new reading frame. This variant is predicted to cause loss of normal protein function through protein truncation. Loss of function variants have been previously reported to be disease causing (Stheneur C, et al., 2009). For these reasons, this variant has been classified as Likely Pathogenic.